The following is an entry in ClinVar:

ClinVar aggregate classification (germline): Pathogenic/Likely pathogenic. Review status: criteria provided, multiple submitters, no conflicts (2 of 4 stars). 2 submissions from 2 submitters: Pathogenic (1); Likely pathogenic (1). Last evaluated 2025-02-16.

Conditions:
RP1-related disorder. Also called: RP1-related condition.

Submissions (2):

Labcorp Genetics (formerly Invitae), Labcorp
Classification: Pathogenic. Last evaluated: 2025-02-16. Review status: criteria provided, single submitter. Criteria: Invitae Variant Classification Sherloc (09022015). Collection method: clinical testing. Allele origin: germline.
Comment: This sequence change creates a premature translational stop signal (p.Gln917Glufs*22) in the RP1 gene. While this is not anticipated to result in nonsense mediated decay, it is expected to disrupt the last 1240 amino acid(s) of the RP1 protein. This variant is not present in population databases (gnomAD no frequency). This variant has not been reported in the literature in individuals affected with RP1-related conditions. This variant disrupts the C-terminus of the RP1 protein. Many variants that disrupt this region have been reported in individuals with either autosomal dominant or autosomal recessive retinitis pigmentosa (PMID: 11527933, 19933189, 29425069, 30027431, 33681214). Therefore, variants that disrupt this region are expected to be disease-causing. For these reasons, this variant has been classified as Pathogenic.

Blueprint Genetics
Classification: Likely pathogenic for RP1-related disorders. Last evaluated: 2019-09-10. Review status: criteria provided, single submitter. Criteria: ACMG Guidelines, 2015. Collection method: clinical testing. Allele origin: germline. Affected: yes. Observed: 1 variant allele.

Literature cited by the submitters: PubMed 11527933 (cited by Labcorp Genetics (formerly Invitae), Labcorp); PubMed 19933189 (cited by Labcorp Genetics (formerly Invitae), Labcorp); PubMed 29425069 (cited by Labcorp Genetics (formerly Invitae), Labcorp); PubMed 30027431 (cited by Labcorp Genetics (formerly Invitae), Labcorp); PubMed 33681214 (cited by Labcorp Genetics (formerly Invitae), Labcorp).

NM_006269.2(RP1):c.2749_2750del (p.Gln917fs)

Gene: RP1 (RP1 axonemal microtubule associated; plus strand). Cytogenetic location: 8q12.1.
Variant type: Deletion.
Coding change: c.2749_2750del on transcript NM_006269.2 (MANE Select); coding-DNA positions 2749 to 2750, 2 bases deleted (CA; older notation c.2749_2750delCA).
Protein change: p.Gln917fs; shifts the reading frame from glutamine 917.
Molecular consequence: frameshift variant. On other transcripts: intron variant (1).
Genome position (GRCh38, 1-based): chr8:54,626,631-54,626,632, CA deleted; deleting any 2 consecutive bases within chr8:54,626,630-54,626,632 gives the same sequence; the c. name uses the placement nearest the transcript's 3' end. VCF-style (leftmost placement, unchanged base first): chr8-54626629-TAC-T. GRCh37 (hg19) VCF-style: chr8-55539189-TAC-T.
Other names: c.787+4343_787+4344del (NM_001375654.1); short protein forms Q917fs.
Identifiers: ClinVar variation 4713210 (VCV004713210.2).